The following is an entry in ClinVar:

ClinVar aggregate classification (germline): Likely benign (1 of 4 stars; one submission).

Allele frequency attached by ClinVar (database versions not stated): gnomAD exomes 0.00001.
gnomAD v4.1: 3 of 451,462 alleles (0.00066%); highest among the groups gnomAD compares: South Asian, 0.0022%; no homozygotes.

Submission:

CeGaT Center for Human Genetics Tuebingen
Classification: Likely benign. Last evaluated: 2026-04-01. Review status: criteria provided, single submitter. Criteria: CeGaT Center For Human Genetics Tuebingen Variant Classification Criteria Version 2. Collection method: clinical testing. Allele origin: germline. Affected: yes. Observed: 15 variant alleles.
Comment: PLIN4: BP4, BP7

NM_001367868.2(PLIN4):c.939T>C (p.Asn313=)

Gene: PLIN4 (perilipin 4; minus strand). Cytogenetic location: 19p13.3.
Variant type: single nucleotide variant.
Coding change: c.939T>C on transcript NM_001367868.2 (MANE Select); coding-DNA position 939, T replaced by C.
Protein change: p.Asn313=; no amino-acid change (asparagine 313 retained).
Molecular consequence: synonymous variant.
Genome position (GRCh38, 1-based): chr19:4,513,021, A>G on the plus strand (T>C on the coding strand, the complement: PLIN4 is on the minus strand). VCF-style: chr19-4513021-A-G. GRCh37 (hg19) VCF-style: chr19-4513033-A-G.
Other names: c.942T>C, p.Asn314= (NM_001393888.1, NM_001393889.1); c.939T>C, p.Asn313= (NM_001393890.1, NM_001393891.1).
Identifiers: ClinVar variation 2649058 (VCV002649058.24), dbSNP rs199905638, ClinGen allele CA304486228.
Genomic context (GRCh38, chr19:4,513,021, plus strand): 5'-GGTACCTGTTAGGACAGTCTTACTGGTGTCCACGCCGGTCTGGATGGTTCCTTTGGCCAC[A>G]TTCATGGCACCAGTCACCCCACTACAGACGGTGTCCTTGGTACCTGTTAGGACAGTCTTA-3'
Protein context (NP_001354797.1, residues 303-323): TVCSGVTGAM[Asn313=]VAKGTIQTGV